The following is an entry in ClinVar:

ClinVar aggregate classification (germline): Uncertain significance. Review status: criteria provided, multiple submitters, no conflicts (2 of 4 stars). 2 submissions from 2 submitters: Uncertain significance (2). Last evaluated 2021-10-25.

Conditions:
Ataxia-telangiectasia syndrome (AT). Also called: ATAXIA-TELANGIECTASIA, COMPLEMENTATION GROUP A; ATAXIA-TELANGIECTASIA, FRESNO VARIANT; LOUIS-BAR SYNDROME; Ataxia-telangiectasia; Cerebello-oculocutaneous telangiectasia; Immunodeficiency with ataxia telangiectasia. Identifiers: Orphanet 100, MedGen C0004135, MONDO:0008840, OMIM 208900.
Hereditary cancer-predisposing syndrome. Also called: Hereditary neoplastic syndrome; Tumor predisposition; Neoplastic Syndromes, Hereditary; Hereditary Cancer Syndrome. Identifiers: Orphanet 140162, MedGen C0027672, MeSH D009386, MONDO:0015356.

Allele frequency attached by ClinVar (database versions not stated): gnomAD exomes below 0.00001; ExAC 0.00001.
gnomAD v4.1: 1 of 1,614,028 alleles (0.000062%); highest among the groups gnomAD compares: Admixed American, 0.0017%; no homozygotes.

Submissions (2):

Labcorp Genetics (formerly Invitae), Labcorp
Classification: Uncertain significance for Ataxia-telangiectasia syndrome. Last evaluated: 2021-10-25. Review status: criteria provided, single submitter. Criteria: Invitae Variant Classification Sherloc (09022015). Collection method: clinical testing. Allele origin: germline.
Comment: In summary, the available evidence is currently insufficient to determine the role of this variant in disease. Therefore, it has been classified as a Variant of Uncertain Significance. Advanced modeling of protein sequence and biophysical properties (such as structural, functional, and spatial information, amino acid conservation, physicochemical variation, residue mobility, and thermodynamic stability) performed at Invitae indicates that this missense variant is not expected to disrupt ATM protein function. This variant has not been reported in the literature in individuals affected with ATM-related conditions. This variant is present in population databases (rs773290999, ExAC 0.009%). This sequence change replaces asparagine with aspartic acid at codon 1183 of the ATM protein (p.Asn1183Asp). The asparagine residue is highly conserved and there is a small physicochemical difference between asparagine and aspartic acid.

Ambry Genetics
Classification: Uncertain significance for Hereditary cancer-predisposing syndrome. Last evaluated: 2020-09-30. Review status: criteria provided, single submitter. Criteria: Ambry Variant Classification Scheme 2023. Collection method: clinical testing. Allele origin: germline.
Comment: The p.N1183D variant (also known as c.3547A>G), located in coding exon 23 of the ATM gene, results from an A to G substitution at nucleotide position 3547. The asparagine at codon 1183 is replaced by aspartic acid, an amino acid with highly similar properties. This amino acid position is well conserved in available vertebrate species. In addition, this alteration is predicted to be tolerated by in silico analysis. Since supporting evidence is limited at this time, the clinical significance of this alteration remains unclear.

NM_000051.4(ATM):c.3547A>G (p.Asn1183Asp)

Gene: ATM (ATM serine/threonine kinase; plus strand). Cytogenetic location: 11q22.3.
Variant type: single nucleotide variant.
Coding change: c.3547A>G on transcript NM_000051.4 (MANE Select); coding-DNA position 3547, A replaced by G.
Protein change: p.Asn1183Asp; replaces asparagine 1183 with aspartic acid.
Molecular consequence: missense variant.
Genome position (GRCh38, 1-based): chr11:108,281,139, A>G. VCF-style: chr11-108281139-A-G. GRCh37 (hg19) VCF-style: chr11-108151866-A-G.
Other names: c.3547A>G, p.Asn1183Asp (NM_001351834.2); short protein forms N1183D.
Identifiers: ClinVar variation 1471651 (VCV001471651.8), dbSNP rs773290999, ClinGen allele CA6265307.